The following is an entry in ClinVar:

ClinVar aggregate classification (germline): Conflicting classifications of pathogenicity. Review status: criteria provided, conflicting classifications (1 of 4 stars). 4 submissions from 4 submitters: Uncertain significance (1); Likely benign (2). 1 of the submissions does not count toward it. Last evaluated 2026-01-14.

Conditions:
Fanconi anemia (FA). Also called: Fanconi's anemia. Identifiers: Orphanet 84, MedGen C0015625, MeSH D005199, MONDO:0019391.
Fanconi anemia complementation group A (FANCA). Also called: FANCA-Related Fanconi Anemia; Fanconi anemia, group A. Identifiers: Orphanet 84, MedGen C3469521, MONDO:0009215, OMIM 227650.

Allele frequency attached by ClinVar (database versions not stated): ExAC 0.00004; TOPMed 0.00006; gnomAD exomes 0.00010.
gnomAD v4.1: 32 of 1,614,062 alleles (0.002%); highest among the groups gnomAD compares: Admixed American, 0.047%; no homozygotes.

Submissions (4):

Labcorp Genetics (formerly Invitae), Labcorp
Classification: Likely benign for Fanconi anemia. Last evaluated: 2026-01-14. Review status: criteria provided, single submitter. Criteria: Invitae Variant Classification Sherloc (09022015). Collection method: clinical testing. Allele origin: germline.

ARUP Laboratories, Molecular Genetics and Genomics, ARUP Laboratories
Classification: Likely benign for Fanconi anemia complementation group A. Last evaluated: 2025-04-15. Review status: criteria provided, single submitter. Criteria: ARUP Molecular Germline Variant Investigation Process 2024. Collection method: clinical testing. Allele origin: germline.

Quest Diagnostics Nichols Institute San Juan Capistrano
Classification: Uncertain significance. Last evaluated: 2025-03-05. Review status: criteria provided, single submitter. Criteria: Quest Diagnostics criteria. Collection method: clinical testing. Allele origin: unknown.
Comment: The FANCA c.1281G>C (p.Met427Ile) variant has been reported in the published literature in an individual with rhabdosarcoma (PMID: 26580448 (2015)). The frequency of this variant in the general population (Genome Aggregation Database) is uninformative in the assessment of its pathogenicity. Analysis of this variant using bioinformatics tools for the prediction of the effect of amino acid changes on protein structure and function yielded predictions that this variant is benign. Based on the available information, we are unable to determine the clinical significance of this variant.

Natera, Inc.
Classification: Uncertain significance for Fanconi anemia, group A. Last evaluated: 2020-09-16. Review status: no assertion criteria provided. Collection method: clinical testing. Allele origin: germline. Not counted in ClinVar's aggregate classification.

Literature cited by the submitters: PubMed 26580448 (cited by Quest Diagnostics Nichols Institute San Juan Capistrano).

NM_000135.4(FANCA):c.1281G>C (p.Met427Ile)

Gene: FANCA (FA complementation group A; minus strand). Cytogenetic location: 16q24.3.
Variant type: single nucleotide variant.
Coding change: c.1281G>C on transcript NM_000135.4 (MANE Select); coding-DNA position 1281, G replaced by C.
Protein change: p.Met427Ile; replaces methionine 427 with isoleucine.
Molecular consequence: missense variant.
Genome position (GRCh38, 1-based): chr16:89,791,481, C>G on the plus strand (G>C on the coding strand, the complement: FANCA is on the minus strand). VCF-style: chr16-89791481-C-G. GRCh37 (hg19) VCF-style: chr16-89857889-C-G.
Other names: c.1281G>C (LRG_495t1, NM_000135.3); c.1281G>C, p.Met427Ile (NM_001286167.3); short protein forms M427I.
Identifiers: ClinVar variation 651606 (VCV000651606.10), dbSNP rs747322973, ClinGen allele CA8252415.
Genomic context (GRCh38, chr16:89,791,481, plus strand): 5'-TGACAGGAACGCAGAGGGGCCCTCCAGTGCTGCCTGGCGCACAACCAGGAACGCAGTGAC[C>G]ATGCTGTCCAGCTGGCAGCTCTCGAATGCCTGGGCCATCAAACGCGCCACCCAGTCTAGT-3'
Protein context (NP_000126.2, residues 417-437): QAFESCQLDS[Met427Ile]VTAFLVVRQA